The following is an entry in ClinVar:

ClinVar aggregate classification (germline): Likely benign (1 of 4 stars; one submission).

Allele frequency attached by ClinVar (database versions not stated): 1000 Genomes Project 30x 0.00016; 1000 Genomes Project 0.00020; ESP Exome Variant Server 0.00038; gnomAD 0.00042; ExAC 0.00051; TOPMed 0.00051; gnomAD exomes 0.00074.
gnomAD v4.1: 1,118 of 1,592,606 alleles (0.07%); highest among the groups gnomAD compares: South Asian, 0.093%; no homozygotes.

Submission:

CeGaT Center for Human Genetics Tuebingen
Classification: Likely benign. Last evaluated: 2022-12-01. Review status: criteria provided, single submitter. Criteria: CeGaT Center For Human Genetics Tuebingen Variant Classification Criteria Version 2. Collection method: clinical testing. Allele origin: germline. Affected: yes. Observed: 2 variant alleles.
Comment: PARP4: BP4, BP7

NM_006437.4(PARP4):c.2577C>T (p.Val859=)

Gene: PARP4 (poly(ADP-ribose) polymerase family member 4; minus strand). Cytogenetic location: 13q12.12.
Variant type: single nucleotide variant.
Coding change: c.2577C>T on transcript NM_006437.4 (MANE Select); coding-DNA position 2577, C replaced by T.
Protein change: p.Val859=; no amino-acid change (valine 859 retained).
Molecular consequence: synonymous variant.
Genome position (GRCh38, 1-based): chr13:24,455,198, G>A on the plus strand (C>T on the coding strand, the complement: PARP4 is on the minus strand). VCF-style: chr13-24455198-G-A. GRCh37 (hg19) VCF-style: chr13-25029336-G-A.
Identifiers: ClinVar variation 2643688 (VCV002643688.24), dbSNP rs150898039, ClinGen allele CA6915717.